The following is an entry in ClinVar:

ClinVar aggregate classification (germline): Uncertain significance (1 of 4 stars; one submission).

gnomAD v4.1: 1 of 1,614,142 alleles (0.000062%); highest among the groups gnomAD compares: Non-Finnish European, 0.000085%; no homozygotes.

Submission:

Ambry Genetics
Classification: Uncertain significance. Last evaluated: 2025-10-01. Review status: criteria provided, single submitter. Criteria: Ambry Variant Classification Scheme 2023. Collection method: clinical testing. Allele origin: germline.
Comment: The p.S327C variant (also known as c.980C>G), located in coding exon 10 of the SRP72 gene, results from a C to G substitution at nucleotide position 980. The serine at codon 327 is replaced by cysteine, an amino acid with dissimilar properties. This amino acid position is conserved. In addition, the in silico prediction for this alteration is inconclusive. Based on the available evidence, the clinical significance of this variant remains unclear.

NM_006947.4(SRP72):c.980C>G (p.Ser327Cys)

Gene: SRP72 (signal recognition particle 72; plus strand). Cytogenetic location: 4q12.
Variant type: single nucleotide variant.
Coding change: c.980C>G on transcript NM_006947.4 (MANE Select); coding-DNA position 980, C replaced by G.
Protein change: p.Ser327Cys; replaces serine 327 with cysteine.
Molecular consequence: missense variant. On other transcripts: non-coding transcript variant (1).
Genome position (GRCh38, 1-based): chr4:56,484,758, C>G. VCF-style: chr4-56484758-C-G. GRCh37 (hg19) VCF-style: chr4-57350924-C-G.
Other names: c.797C>G, p.Ser266Cys (NM_001267722.2); short protein forms S327C, S266C.
Identifiers: ClinVar variation 4589586 (VCV004589586.1).
Genomic context (GRCh38, chr4:56,484,758, plus strand): 5'-CCAGTTTATTTTTCTTGTGGGGGTTGGATATCTTCTAGGCTGAACAATGCCGCAAAATAT[C>G]TGCCAGTTTACAGTCCCAAAGTCCCGAGCATCTCTTACCTGTGTTAATCCAAGCTGCCCA-3'
Protein context (NP_008878.3, residues 317-337): TNQAEQCRKI[Ser327Cys]ASLQSQSPEH